The following is an entry in ClinVar:

NM_017777.4(MKS1):c.392_393del (p.Asp130_Ser131insTer)

Gene: MKS1 (MKS transition zone complex subunit 1; minus strand). Cytogenetic location: 17q22.
Variant type: Microsatellite.
Coding change: c.392_393del on transcript NM_017777.4 (MANE Select); coding-DNA positions 392 to 393, 2 bases deleted (CT; older notation c.392_393delCT).
Protein change: p.Asp130_Ser131insTer.
Molecular consequence: nonsense. On other transcripts: 5 prime UTR variant (1).
Genome position (GRCh38, 1-based): chr17:58,216,112-58,216,113, AG deleted on the plus strand (CT on the coding strand, the reverse complement: MKS1 is on the minus strand); deleting any 2 consecutive bases within chr17:58,216,112-58,216,115 gives the same sequence; the c. name uses the placement nearest the transcript's 3' end. VCF-style (leftmost placement, unchanged base first): chr17-58216111-CAG-C. GRCh37 (hg19) VCF-style: chr17-56293472-CAG-C.
Other names: c.392_393delCT (NM_017777.3); c.-122CT[1] (NM_001321268.2); c.392_393del, p.Asp130_Ser131insTer (NM_001321269.2, NM_001330397.2).
Identifiers: ClinVar variation 56620 (VCV000056620.6), dbSNP rs386834047, ClinGen allele CA344751.

ClinVar aggregate classification (germline): Pathogenic/Likely pathogenic. Review status: criteria provided, multiple submitters, no conflicts (2 of 4 stars). 4 submissions from 4 submitters: Pathogenic (2); Likely pathogenic (1). 1 of the submissions does not count toward it. Last evaluated 2024-04-08.

Conditions:
Joubert syndrome 28 (JBTS28). Identifiers: MedGen C4310705, MONDO:0014928, OMIM 617121.
Meckel syndrome, type 1 (MKS1). Also called: MECKEL-GRUBER SYNDROME, TYPE 1. Identifiers: Orphanet 564, MedGen C3714506, MONDO:0009571, OMIM 249000.
Bardet-Biedl syndrome 13 (BBS13). Identifiers: Orphanet 110, MedGen C2673873, MONDO:0014441, OMIM 615990.
Meckel-Gruber syndrome. Also called: DYSENCEPHALIA SPLANCHNOCYSTICA; GRUBER SYNDROME; Dysencephalia splachnocystica. Identifiers: Orphanet 564, MedGen C0265215, MONDO:0018921.
Joubert syndrome. Also called: CEREBELLOPARENCHYMAL DISORDER IV; JOUBERT-BOLTSHAUSER SYNDROME; Familial aplasia of the vermis. Identifiers: Orphanet 475, MedGen C5979921, MONDO:0018772.

Submissions (4):

Labcorp Genetics (formerly Invitae), Labcorp
Classification: Pathogenic for Joubert syndrome; Meckel-Gruber syndrome. Last evaluated: 2024-04-08. Review status: criteria provided, single submitter. Criteria: Invitae Variant Classification Sherloc (09022015). Collection method: clinical testing. Allele origin: germline.
Comment: This sequence change creates a premature translational stop signal (p.Ser131*) in the MKS1 gene. It is expected to result in an absent or disrupted protein product. Loss-of-function variants in MKS1 are known to be pathogenic (PMID: 19466712, 24886560, 26490104). This variant is present in population databases (rs386834047, gnomAD 0.006%). This premature translational stop signal has been observed in individual(s) with Meckel syndrome (PMID: 19466712). ClinVar contains an entry for this variant (Variation ID: 56620). For these reasons, this variant has been classified as Pathogenic.

Fulgent Genetics
Classification: Likely pathogenic for Meckel syndrome, type 1; Bardet-Biedl syndrome 13; Joubert syndrome 28. Last evaluated: 2024-03-07. Review status: criteria provided, single submitter. Criteria: ACMG Guidelines, 2015. Collection method: clinical testing. Allele origin: germline.

Baylor Genetics
Classification: Pathogenic for Bardet-Biedl syndrome 13. Last evaluated: 2023-06-19. Review status: criteria provided, single submitter. Criteria: ACMG Guidelines, 2015. Collection method: clinical testing. Allele origin: unknown.

Juha Muilu Group; Institute for Molecular Medicine Finland (FIMM)
Classification: Likely pathogenic for Meckel syndrome type1. Review status: no assertion criteria provided. Collection method: not provided. Allele origin: unknown. Not counted in ClinVar's aggregate classification.
Comment: FinDis database variant: This variant was not found or characterized by our laboratory, data were collected from public sources: see reference
ClinVar note: Converted during submission from probable-pathogenic to Likely pathogenic.

Literature cited by the submitters: PubMed 19466712 (cited by Labcorp Genetics (formerly Invitae), Labcorp); PubMed 24886560 (cited by Labcorp Genetics (formerly Invitae), Labcorp); PubMed 26490104 (cited by Labcorp Genetics (formerly Invitae), Labcorp).